The following is an entry in ClinVar:

NM_007363.5(NONO):c.84_95dup (p.His28_Gln31dup)

Gene: NONO (non-POU domain containing octamer binding; plus strand). Cytogenetic location: Xq13.1.
Variant type: Duplication.
Coding change: c.84_95dup on transcript NM_007363.5 (MANE Select); coding-DNA positions 84 to 95, 12 bases duplicated (CCACCAGCAGCA).
Protein change: p.His28_Gln31dup.
Molecular consequence: inframe insertion. On other transcripts: intron variant (1).
Genome position (GRCh38, 1-based): chrX:71,290,721-71,290,732, CCACCAGCAGCA duplicated; duplicating any 12 consecutive bases within chrX:71,290,713-71,290,732 gives the same sequence; the c. name uses the placement nearest the transcript's 3' end. VCF-style (leftmost placement, unchanged base first): chrX-71290712-G-GCAGCAGCACCAC. GRCh37 (hg19) VCF-style: chrX-70510562-G-GCAGCAGCACCAC.
Other names: c.84_95dup, p.His28_Gln31dup (NM_001145408.2, NM_001145409.2); c.-113-1058_-113-1047dup (NM_001145410.2).
Identifiers: ClinVar variation 985055 (VCV000985055.8), dbSNP rs1284257748, ClinGen allele CA877825413.

ClinVar aggregate classification (germline): Uncertain significance. Review status: criteria provided, multiple submitters, no conflicts (2 of 4 stars). 3 submissions from 3 submitters: Uncertain significance (3). Last evaluated 2025-01-31.

Conditions:
Inborn genetic diseases. Identifiers: MedGen C0950123, MeSH D030342.

Submissions (3):

GeneDx
Classification: Uncertain significance. Last evaluated: 2025-01-31. Review status: criteria provided, single submitter. Criteria: GeneDx Variant Classification Process June 2021. Collection method: clinical testing. Allele origin: germline. Affected: yes.
Comment: Not observed at significant frequency in large population cohorts (gnomAD); In-frame duplication of 4 amino acid(s) in a non-repeat region; Has not been previously published as pathogenic or benign to our knowledge

Labcorp Genetics (formerly Invitae), Labcorp
Classification: Uncertain significance. Last evaluated: 2022-03-02. Review status: criteria provided, single submitter. Criteria: Invitae Variant Classification Sherloc (09022015). Collection method: clinical testing. Allele origin: germline.
Comment: In summary, the available evidence is currently insufficient to determine the role of this variant in disease. Therefore, it has been classified as a Variant of Uncertain Significance. ClinVar contains an entry for this variant (Variation ID: 985055). This variant has not been reported in the literature in individuals affected with NONO-related conditions. This variant is not present in population databases (gnomAD no frequency). This variant, c.84_95dup, results in the insertion of 4 amino acid(s) of the NONO protein (p.His28_Gln31dup), but otherwise preserves the integrity of the reading frame.

Ambry Genetics
Classification: Uncertain significance for Inborn genetic diseases. Last evaluated: 2017-09-07. Review status: criteria provided, single submitter. Criteria: Ambry exome assertion method (8-5-2015). Collection method: clinical testing. Allele origin: germline. Affected: yes. Observed: 1 variant allele.